The following is an entry in ClinVar:

ClinVar aggregate classification (germline): Uncertain significance (1 of 4 stars; one submission).

Conditions:
ABCB4-related disorder. Also called: ABCB4-related disorders; ABCB4-related condition.

Submission:

PreventionGenetics, part of Exact Sciences
Classification: Uncertain significance for ABCB4-related condition. Last evaluated: 2025-09-02. Review status: criteria provided, single submitter. Criteria: ACMG Guidelines, 2015. Collection method: clinical testing. Allele origin: germline.
Comment: The ABCB4 c.1016C>T variant is predicted to result in the amino acid substitution p.Ser339Leu. To our knowledge, this variant has not been reported in the literature or in a large population database (gnomAD), indicating this variant is rare. At this time, the clinical significance of this variant is uncertain due to the absence of conclusive functional and genetic evidence.

NM_000443.4(ABCB4):c.1016C>T (p.Ser339Leu)

Gene: ABCB4 (ATP binding cassette subfamily B member 4; minus strand). Cytogenetic location: 7q21.12.
Variant type: single nucleotide variant.
Coding change: c.1016C>T on transcript NM_000443.4 (MANE Select); coding-DNA position 1016, C replaced by T.
Protein change: p.Ser339Leu; replaces serine 339 with leucine.
Molecular consequence: missense variant.
Genome position (GRCh38, 1-based): chr7:87,444,965, G>A on the plus strand (C>T on the coding strand, the complement: ABCB4 is on the minus strand). VCF-style: chr7-87444965-G-A. GRCh37 (hg19) VCF-style: chr7-87074281-G-A.
Other names: c.1016C>T, p.Ser339Leu (NM_018849.3, NM_018850.3); short protein forms S339L.
Identifiers: ClinVar variation 4993187 (VCV004993187.1).